The following is an entry in ClinVar:

ClinVar aggregate classification (germline): Conflicting classifications of pathogenicity. Review status: criteria provided, conflicting classifications (1 of 4 stars). 3 submissions from 3 submitters: Likely pathogenic (1); Uncertain significance (2). Last evaluated 2025-03-19.

Conditions:
Cardiovascular phenotype. Identifiers: MedGen CN230736.
Hereditary cancer-predisposing syndrome. Also called: Hereditary Cancer Syndrome; Hereditary neoplastic syndrome; Neoplastic Syndromes, Hereditary; Tumor predisposition. Identifiers: Orphanet 140162, MedGen C0027672, MeSH D009386, MONDO:0015356.

Allele frequency attached by ClinVar (database versions not stated): gnomAD exomes below 0.00001; TOPMed below 0.00001; ExAC 0.00001.
gnomAD v4.1: 5 of 1,611,010 alleles (0.00031%); highest among the groups gnomAD compares: South Asian, 0.0022%; no homozygotes.

Submissions (3):

Ambry Genetics
Classification: Likely pathogenic for Cardiovascular phenotype; Hereditary cancer-predisposing syndrome. Last evaluated: 2025-03-19. Review status: criteria provided, single submitter. Criteria: Ambry Variant Classification Scheme 2023. Collection method: clinical testing. Allele origin: germline.
Comment: The c.1785G>A variant (also known as p.K595K), located in coding exon 15 of the LZTR1 gene, results from a G to A substitution at nucleotide position 1785. This nucleotide substitution does not change the lysine at codon 595. However, this change occurs in the last base pair of coding exon 15, which makes it likely to have some effect on normal mRNA splicing. This nucleotide position is highly conserved in available vertebrate species. In silico splice site analysis predicts that this alteration may weaken the native splice donor site and will result in the creation or strengthening of a novel splice donor site. RNA studies have demonstrated that this alteration results in abnormal splicing in the set of samples tested (Ambry internal data). This variant is considered to be rare based on population cohorts in the Genome Aggregation Database (gnomAD). Loss-of-function variants in LZTR1 are related to an increased risk for schwannomas and autosomal recessive Noonan syndrome; however, such associations with autosomal dominant Noonan syndrome have not been observed (Piotrowski A et al. Nat Genet. 2014 Feb;46:182-7; Yamamoto GL et al. J Med Genet. 2015 Jun;52:413-21; Johnston JJ et al. Genet Med. 2018 10;20:1175-1185). Based on the supporting evidence, this variant is likely pathogenic for an increased risk of LZTR1-related schwannomatosis (SWN) and would be expected to cause autosomal recessive Noonan syndrome when present along with a second pathogenic or likely pathogenic variant on the other allele; however, the association of this alteration with autosomal dominant Noonan syndrome is unlikely.

Labcorp Genetics (formerly Invitae), Labcorp
Classification: Uncertain significance. Last evaluated: 2024-02-02. Review status: criteria provided, single submitter. Criteria: Invitae Variant Classification Sherloc (09022015). Collection method: clinical testing. Allele origin: germline.
Comment: This sequence change affects codon 595 of the LZTR1 mRNA. It is a 'silent' change, meaning that it does not change the encoded amino acid sequence of the LZTR1 protein. This variant also falls at the last nucleotide of exon 15, which is part of the consensus splice site for this exon. This variant is present in population databases (rs773793756, gnomAD 0.0009%). This variant has not been reported in the literature in individuals affected with LZTR1-related conditions. ClinVar contains an entry for this variant (Variation ID: 2506335). Variants that disrupt the consensus splice site are a relatively common cause of aberrant splicing (PMID: 17576681, 9536098). Algorithms developed to predict the effect of sequence changes on RNA splicing suggest that this variant may disrupt the consensus splice site. In summary, the available evidence is currently insufficient to determine the role of this variant in disease. Therefore, it has been classified as a Variant of Uncertain Significance.

Women's Health and Genetics/Laboratory Corporation of America, LabCorp
Classification: Uncertain significance. Last evaluated: 2023-05-31. Review status: criteria provided, single submitter. Criteria: LabCorp Variant Classification Summary - May 2015. Collection method: clinical testing. Allele origin: germline.
Comment: Variant summary: LZTR1 c.1785G>A (p.Lys595Lys) alters a conserved nucleotide located close to a canonical splice site and therefore could affect mRNA splicing, leading to a significantly altered protein sequence. Several computational tools predict a significant impact on normal splicing: Three predict the variant abolishes a canonical 5' splicing donor site. However, these predictions have yet to be confirmed by functional studies. The variant allele was found at a frequency of 4e-06 in 248108 control chromosomes (gnomAD). The available data on variant occurrences in the general population are insufficient to allow any conclusion about variant significance. To our knowledge, no occurrence of c.1785G>A in individuals affected with Noonan Syndrome and no experimental evidence demonstrating its impact on protein function have been reported. No clinical diagnostic laboratories have submitted clinical-significance assessments for this variant to ClinVar after 2014. Based on the evidence outlined above, the variant was classified as uncertain significance.

Literature cited by the submitters: PubMed 17576681 (cited by Labcorp Genetics (formerly Invitae), Labcorp); PubMed 9536098 (cited by Labcorp Genetics (formerly Invitae), Labcorp).

NM_006767.4(LZTR1):c.1785G>A (p.Lys595=)

Gene: LZTR1 (leucine zipper like post translational regulator 1; plus strand). Cytogenetic location: 22q11.21.
Variant type: single nucleotide variant.
Coding change: c.1785G>A on transcript NM_006767.4 (MANE Select); coding-DNA position 1785, G replaced by A.
Protein change: p.Lys595=; no amino-acid change (lysine 595 retained).
Molecular consequence: synonymous variant.
Genome position (GRCh38, 1-based): chr22:20,994,727, G>A. VCF-style: chr22-20994727-G-A. GRCh37 (hg19) VCF-style: chr22-21349016-G-A.
Identifiers: ClinVar variation 2506335 (VCV002506335.6), dbSNP rs773793756, ClinGen allele CA10119054.